The following is an entry in ClinVar:

NM_005422.4(TECTA):c.2925G>T (p.Arg975=)

Genes: TBCEL-TECTA (TBCEL-TECTA readthrough; plus strand), TECTA (tectorin alpha; plus strand), LOC126861365 (P300/CBP strongly-dependent group 1 enhancer GRCh37_chr11:121000154-121001353; plus strand). Cytogenetic location: 11q23.3.
Variant type: single nucleotide variant.
Coding change: c.2925G>T on transcript NM_005422.4 (MANE Select); coding-DNA position 2925, G replaced by T.
Protein change: p.Arg975=; no amino-acid change (arginine 975 retained).
Molecular consequence: synonymous variant.
Genome position (GRCh38, 1-based): chr11:121,130,195, G>T. VCF-style: chr11-121130195-G-T. GRCh37 (hg19) VCF-style: chr11-121000904-G-T.
Other names: c.3882G>T, p.Arg1294= (NM_001378761.1).
Identifiers: ClinVar variation 91965 (VCV000091965.2), dbSNP rs386352370, ClinGen allele CA232257.

ClinVar aggregate classification (germline): Uncertain significance (0 of 4 stars; one submission).

Submission:

Richard Lifton Laboratory, Yale University School of Medicine
Classification: Uncertain significance. Review status: no assertion criteria provided. Collection method: not provided. Allele origin: somatic.
Comment: TECTA
ClinVar note: Converted during submission from unknown to Uncertain significance.